The following is an entry in ClinVar:

ClinVar aggregate classification (germline): Uncertain significance (1 of 4 stars; one submission).

Submission:

GeneDx
Classification: Uncertain significance. Last evaluated: 2024-05-20. Review status: criteria provided, single submitter. Criteria: GeneDx Variant Classification Process June 2021. Collection method: clinical testing. Allele origin: germline. Affected: yes.
Comment: Not observed at significant frequency in large population cohorts (gnomAD); In silico analysis indicates that this missense variant does not alter protein structure/function; Has not been previously published as pathogenic or benign to our knowledge

NM_134261.3(RORA):c.43C>G (p.Pro15Ala)

Gene: RORA (RAR related orphan receptor A; minus strand). Cytogenetic location: 15q22.2.
Variant type: single nucleotide variant.
Coding change: c.43C>G on transcript NM_134261.3 (MANE Select); coding-DNA position 43, C replaced by G.
Protein change: p.Pro15Ala; replaces proline 15 with alanine.
Molecular consequence: missense variant.
Genome position (GRCh38, 1-based): chr15:61,229,176, G>C on the plus strand (C>G on the coding strand, the complement: RORA is on the minus strand). VCF-style: chr15-61229176-G-C. GRCh37 (hg19) VCF-style: chr15-61521375-G-C.
Other names: short protein forms P15A.
Identifiers: ClinVar variation 3381688 (VCV003381688.1).